The following continues an entry in ClinVar:

NM_000256.3(MYBPC3):c.1505G>A (p.Arg502Gln)

Gene: MYBPC3. ClinVar aggregate classification (germline): Pathogenic. Pathogenic (1).

Submissions 17 to 28 of 28:

CHEO Genetics Diagnostic Laboratory, Children's Hospital of Eastern Ontario
Classification: Pathogenic for Cardiomyopathy. Last evaluated: 2021-01-18. Review status: criteria provided, single submitter. Criteria: ACMG Guidelines, 2015. Collection method: clinical testing. Allele origin: germline. Not counted in ClinVar's aggregate classification.

Institute of Medical Genetics and Applied Genomics, University Hospital Tübingen
Classification: Pathogenic. Last evaluated: 2020-10-23. Review status: criteria provided, single submitter. Criteria: ACMG Guidelines, 2015. Collection method: clinical testing. Allele origin: germline. Inheritance: Unknown mechanism. Affected: yes. Not counted in ClinVar's aggregate classification.

CeGaT Center for Human Genetics Tuebingen
Classification: Pathogenic. Last evaluated: 2020-10-01. Review status: criteria provided, single submitter. Criteria: CeGaT Center For Human Genetics Tuebingen Variant Classification Criteria Version 2. Collection method: clinical testing. Allele origin: germline. Affected: yes. Observed: 1 variant allele. Not counted in ClinVar's aggregate classification.

Center for Advanced Laboratory Medicine, UC San Diego Health, University of California San Diego
Classification: Pathogenic for Hypertrophic cardiomyopathy. Last evaluated: 2019-06-03. Review status: criteria provided, single submitter. Criteria: ACMG Guidelines, 2015. Collection method: clinical testing. Allele origin: germline. Affected: yes. Observed: 1 variant allele. Not counted in ClinVar's aggregate classification.

Center of Genomic medicine, Geneva, University Hospital of Geneva
Classification: Pathogenic for Hypertrophic cardiomyopathy. Last evaluated: 2018-01-08. Review status: criteria provided, single submitter. Criteria: ACMG Guidelines, 2015. Collection method: clinical testing. Allele origin: maternal. Affected: yes. Not counted in ClinVar's aggregate classification.

Laboratory for Molecular Medicine, Mass General Brigham Personalized Medicine
Classification: Pathogenic for Hypertrophic cardiomyopathy. Last evaluated: 2017-11-28. Review status: criteria provided, single submitter. Criteria: LMM Criteria. Collection method: clinical testing. Allele origin: germline. Inheritance: Autosomal dominant inheritance. Observed: 14 variant alleles. Not counted in ClinVar's aggregate classification.
Comment: The p.Arg502Gln variant in MYBPC3 has been identified in at least 15 individuals with HCM and segregated with disease in 8 affected relatives from 3 families (N iimura 1998, Olivotto 2008, Rodriguez-Garcia 2010, Otsuka 2012, LMM data). It ha s also been reported by other clinical laboratories in ClinVar (Variation ID 425 41) and was absent from large population studies. Another missense variant in t he same codon (p.Arg502Trp) is one of the most common pathogenic MYBPC3 variants associated with HCM, supporting that this codon is critical for MYBPC3 protein function. In summary, this variant meets criteria to be classified as pathogenic for HCM in an autosomal dominant manner based upon presence in multiple affecte d individuals, segregation studies, absence from the general population, and occ urrence in a critical codon. ACMG/AMP criteria applied (Richards 2015): PS4, PP1 _Strong, PM5, PM2.

Center of Genomic medicine, Geneva, University Hospital of Geneva
Classification: Pathogenic for Hypertrophic cardiomyopathy 4. Last evaluated: 2017-06-07. Review status: criteria provided, single submitter. Criteria: ACMG Guidelines, 2015. Collection method: clinical testing. Allele origin: germline. Affected: yes. Not counted in ClinVar's aggregate classification.

Stanford Center for Inherited Cardiovascular Disease, Stanford University
Classification: Pathogenic. Last evaluated: 2013-04-22. Review status: criteria provided, single submitter. Criteria: ACMG Guidelines, 2015. Collection method: provider interpretation. Allele origin: germline. Not counted in ClinVar's aggregate classification.

Clinical Genetics Service, Universitary Hospital 12 de Octubre
Classification: Pathogenic for Hypertrophic cardiomyopathy 4. Review status: criteria provided, single submitter. Criteria: ACMG Guidelines, 2015. Collection method: clinical testing. Allele origin: germline. Affected: yes. Not counted in ClinVar's aggregate classification.

Juno Genomics, Hangzhou Juno Genomics, Inc
Classification: Pathogenic for Hypertrophic cardiomyopathy 4. Review status: criteria provided, single submitter. Criteria: ACMG Guidelines, 2015. Collection method: clinical testing. Allele origin: germline. Not counted in ClinVar's aggregate classification.
Comment: Novel missense change at an amino acid residue where a different missense change determined to be pathogenic has been seen before.;Absent from controls (or at extremely low frequency if recessive) in Genome Aggregation Database.;The prevalence of the variant in affected individuals is significantly increased compared to the prevalence in controls.;Co-segregation with disease in multiple affected family members.

Laboratory of Genetics and Molecular Cardiology, University of São Paulo
Classification: Likely pathogenic for Hypertrophic cardiomyopathy 4. Review status: criteria provided, single submitter. Criteria: LGCM Criteria August 2015. Collection method: clinical testing. Allele origin: germline. Inheritance: Autosomal dominant inheritance. Affected: yes. Observed: 2 variant alleles. Study: Sarcomeric Human Cardiomyopathy Registry (ShaRe). Not counted in ClinVar's aggregate classification.

Gharavi Laboratory, Columbia University
Classification: Pathogenic. Last evaluated: 2018-09-16. Review status: no assertion criteria provided. Criteria: ACMG Guidelines, 2015. Collection method: research. Allele origin: germline. Affected: yes. Not counted in ClinVar's aggregate classification.

Literature cited by the submitters: PubMed 9562578 (cited by 11 submitters); PubMed 16566405 (cited by 6 submitters); PubMed 18803133 (cited by Ambry Genetics); PubMed 22112859 (cited by 5 submitters); PubMed 22386539 (cited by 4 submitters); PubMed 29710196 (cited by Ambry Genetics); PubMed 18403758 (cited by 5 submitters); PubMed 18533079 (cited by 6 submitters); PubMed 20433692 (cited by 7 submitters); PubMed 12707239 (cited by Labcorp Genetics (formerly Invitae), Labcorp and 3billion); PubMed 20378854 (cited by Labcorp Genetics (formerly Invitae), Labcorp); PubMed 22267749 (cited by 3 submitters); PubMed 23396983 (cited by Labcorp Genetics (formerly Invitae), Labcorp); PubMed 16858239 (cited by New York Genome Center and Women's Health and Genetics/Laboratory Corporation of America, LabCorp); PubMed 27532257 (cited by 3 submitters); PubMed 39096151 (cited by New York Genome Center); PubMed 25611685 (cited by Molecular Genetics, Royal Melbourne Hospital); PubMed 28771489 (cited by Molecular Genetics, Royal Melbourne Hospital); PubMed 30696458 (cited by Molecular Genetics, Royal Melbourne Hospital); PubMed 32481709 (cited by Molecular Genetics, Royal Melbourne Hospital); PubMed 37652022 (cited by Molecular Genetics, Royal Melbourne Hospital); PubMed 22857948 (cited by All of Us Research Program, National Institutes of Health and Color Diagnostics, LLC DBA Color Health); PubMed 27600940 (cited by All of Us Research Program, National Institutes of Health and Color Diagnostics, LLC DBA Color Health); PubMed 28193612 (cited by All of Us Research Program, National Institutes of Health and Color Diagnostics, LLC DBA Color Health); PubMed 31308319 (cited by 3 submitters); PubMed 31918855 (cited by 3 submitters); PubMed 17224687 (cited by Women's Health and Genetics/Laboratory Corporation of America, LabCorp); PubMed 31771441 (cited by Victorian Clinical Genetics Services, Murdoch Childrens Research Institute); PubMed 32841044 (cited by Victorian Clinical Genetics Services, Murdoch Childrens Research Institute); PubMed 31589614 (cited by AiLife Diagnostics); PubMed 12106841 (cited by AiLife Diagnostics); PubMed 33407484 (cited by AiLife Diagnostics); PubMed 29907873 (cited by AiLife Diagnostics); PubMed 21310275 (cited by AiLife Diagnostics and Laboratory for Molecular Medicine, Mass General Brigham Personalized Medicine); PubMed 31006259 (cited by AiLife Diagnostics); PubMed 30847666 (cited by AiLife Diagnostics); PubMed 31447099 (cited by AiLife Diagnostics).